The following is an entry in ClinVar:

ClinVar aggregate classification (germline): Conflicting classifications of pathogenicity. Review status: criteria provided, conflicting classifications (1 of 4 stars). 3 submissions from 3 submitters: Uncertain significance (1); Likely benign (2). Last evaluated 2026-02-25.

Conditions:
PALB2-related cancer predisposition. Identifiers: MedGen CN377761, MONDO:0700272.
Familial cancer of breast. Also called: BREAST CANCER, FAMILIAL; hereditary breast carcinoma; Hereditary breast cancer. Identifiers: Orphanet 227535, MedGen C0346153, MONDO:0016419, OMIM 114480. Disease mechanism: loss of function.

Allele frequency attached by ClinVar (database versions not stated): gnomAD exomes below 0.00001.
gnomAD v4.1: 1 of 1,608,690 alleles (0.000062%); highest among the groups gnomAD compares: Non-Finnish European, 0.000085%; no homozygotes.

Submissions (3):

Hema, HEMA – Genetic and Molecular Diagnostic Laboratory
Classification: Uncertain significance for PALB2-related cancer predisposition. Last evaluated: 2026-02-25. Review status: criteria provided, single submitter. Criteria: HEMA Variant Classification Assertion Criteria. Collection method: clinical testing. Allele origin: germline.
Comment: The c.109-18T>G variant is a transversion from adenine to cytosine in the acceptor splicing region of intron 2. PM2_Supporting: Present at very low frequency in the gnomAD v4.1.0 database. BP4: The computational predictor SpliceAI score = 0.06 ≤ 0.1, indicating that the variant would not affect splicing of the gene.

Center for Genomic Medicine, Rigshospitalet, Copenhagen University Hospital
Classification: Likely benign. Last evaluated: 2025-12-29. Review status: criteria provided, single submitter. Criteria: ACMG Guidelines, 2015. Collection method: clinical testing. Allele origin: germline.

Labcorp Genetics (formerly Invitae), Labcorp
Classification: Likely benign for Familial cancer of breast. Last evaluated: 2025-02-02. Review status: criteria provided, single submitter. Criteria: Invitae Variant Classification Sherloc (09022015). Collection method: clinical testing. Allele origin: germline.

NM_024675.4(PALB2):c.109-18T>G

Gene: PALB2 (partner and localizer of BRCA2; minus strand). Cytogenetic location: 16p12.2.
Variant type: single nucleotide variant.
Coding change: c.109-18T>G on transcript NM_024675.4 (MANE Select); 18 bases into the intron before coding-DNA position 109, T replaced by G.
Molecular consequence: intron variant.
Genome position (GRCh38, 1-based): chr16:23,637,970, A>C on the plus strand (T>G on the coding strand, the complement: PALB2 is on the minus strand). VCF-style: chr16-23637970-A-C. GRCh37 (hg19) VCF-style: chr16-23649291-A-C.
Identifiers: ClinVar variation 2189295 (VCV002189295.6), dbSNP rs1555462094, ClinGen allele CA2580091388.
Genomic context (GRCh38, chr16:23,637,970, plus strand): 5'-TTTTCTTAATAGAATGCTTAATCTTTTCAGCTCTTTGGGCACGCTAGAGGAGACAAAAAC[A>C]GCCCCAGAAATACGTTTTCTTTAAAGTTTTATAGAGTCAAGAACTGTTTTTAAATTGTTT-3'